The following is an entry in ClinVar:

ClinVar aggregate classification (germline): Uncertain significance. Review status: criteria provided, multiple submitters, no conflicts (2 of 4 stars). 4 submissions from 4 submitters: Uncertain significance (4). Last evaluated 2025-02-10.

Conditions:
Inborn genetic diseases. Identifiers: MedGen C0950123, MeSH D030342.
Monocytopenia with susceptibility to infections. Also called: MONOCYTOPENIA AND MYCOBACTERIAL INFECTION SYNDROME; MONOCYTOPENIA WITH SUSCEPTIBILITY TO MYCOBACTERIAL, FUNGAL, AND PAPILLOMAVIRUS INFECTIONS AND MYELODYSPLASIA; COMBINED IMMUNODEFICIENCY WITH SUSCEPTIBILITY TO MYCOBACTERIAL, VIRAL, AND FUNGAL INFECTIONS; Dendritic cell, monocyte, B lymphocyte, and natural killer lymphocyte deficiency; IMMUNODEFICIENCY 21; GATA2 DEFICIENCY. Identifiers: Orphanet 228423, MedGen C3280030, MONDO:0013607, OMIM 614172.
Deafness-lymphedema-leukemia syndrome. Also called: Lymphedema, primary, with myelodysplasia; Emberger syndrome. Identifiers: Orphanet 3226, MedGen C3279664, MONDO:0013540, OMIM 614038.
Hereditary cancer-predisposing syndrome. Also called: Tumor predisposition; Neoplastic Syndromes, Hereditary; Hereditary Cancer Syndrome; Hereditary neoplastic syndrome. Identifiers: Orphanet 140162, MedGen C0027672, MeSH D009386, MONDO:0015356.

Allele frequency attached by ClinVar (database versions not stated): gnomAD exomes below 0.00001 and 0.00001; ExAC 0.00001; TOPMed 0.00002; ESP Exome Variant Server 0.00008.
gnomAD v4.1: 5 of 1,612,770 alleles (0.00031%); highest among the groups gnomAD compares: Non-Finnish European, 0.00042%; no homozygotes.

Submissions (4):

Ambry Genetics
Classification: Uncertain significance for Inborn genetic diseases. Last evaluated: 2025-02-10. Review status: criteria provided, single submitter. Criteria: Ambry Variant Classification Scheme 2023. Collection method: clinical testing. Allele origin: germline.
Comment: The p.D46N variant (also known as c.136G>A), located in coding exon 1 of the GATA2 gene, results from a G to A substitution at nucleotide position 136. The aspartic acid at codon 46 is replaced by asparagine, an amino acid with highly similar properties. This amino acid position is highly conserved in available vertebrate species. In addition, the in silico prediction for this alteration is inconclusive. Based on the available evidence, the clinical significance of this variant remains unclear.

Labcorp Genetics (formerly Invitae), Labcorp
Classification: Uncertain significance for Monocytopenia with susceptibility to infections; Deafness-lymphedema-leukemia syndrome. Last evaluated: 2023-09-08. Review status: criteria provided, single submitter. Criteria: Invitae Variant Classification Sherloc (09022015). Collection method: clinical testing. Allele origin: germline.
Comment: Advanced modeling of protein sequence and biophysical properties (such as structural, functional, and spatial information, amino acid conservation, physicochemical variation, residue mobility, and thermodynamic stability) has been performed at Invitae for this missense variant, however the output from this modeling did not meet the statistical confidence thresholds required to predict the impact of this variant on GATA2 protein function. This sequence change replaces aspartic acid, which is acidic and polar, with asparagine, which is neutral and polar, at codon 46 of the GATA2 protein (p.Asp46Asn). This variant is present in population databases (rs370750401, gnomAD 0.002%). This variant has not been reported in the literature in individuals affected with GATA2-related conditions. ClinVar contains an entry for this variant (Variation ID: 241718). Algorithms developed to predict the effect of sequence changes on RNA splicing suggest that this variant may create or strengthen a splice site. In summary, the available evidence is currently insufficient to determine the role of this variant in disease. Therefore, it has been classified as a Variant of Uncertain Significance.

Sema4
Classification: Uncertain significance for Hereditary cancer-predisposing syndrome. Last evaluated: 2021-05-01. Review status: criteria provided, single submitter. Criteria: Sema4 Curation Guidelines. Collection method: curation. Allele origin: germline.
Comment: The GATA2 c.136G>A (p.D46N) variant has not been reported in the literature to our knowledge. It was observed in 3/110118 chromosomes in the Non-Finnish European subpopulation in the Genome Aggregation Database (PMID: 32461654). The variant has been reported in ClinVar (Variation ID: 241718). In silico tools suggest the impact of the variant on protein function is deleterious, though these predictions have not been confirmed by functional studies. The evidence is insufficient to meet ACMG/AMP criteria for classifying the variant as benign or pathogenic. Thus, the clinical significance of this variant is currently uncertain.

Institute of Human Genetics, University of Leipzig Medical Center
Classification: Uncertain significance for Monocytopenia with susceptibility to infections. Last evaluated: 2019-01-01. Review status: criteria provided, single submitter. Criteria: ACMG Guidelines, 2015. Collection method: clinical testing. Allele origin: unknown. Affected: yes.

NM_032638.5(GATA2):c.136G>A (p.Asp46Asn)

Gene: GATA2 (GATA binding protein 2; minus strand). Cytogenetic location: 3q21.3.
Variant type: single nucleotide variant.
Coding change: c.136G>A on transcript NM_032638.5 (MANE Select); coding-DNA position 136, G replaced by A.
Protein change: p.Asp46Asn; replaces aspartic acid 46 with asparagine.
Molecular consequence: missense variant.
Genome position (GRCh38, 1-based): chr3:128,486,896, C>T on the plus strand (G>A on the coding strand, the complement: GATA2 is on the minus strand). VCF-style: chr3-128486896-C-T. GRCh37 (hg19) VCF-style: chr3-128205739-C-T.
Other names: c.136G>A, p.Asp46Asn (NM_001145661.2, NM_001145662.1); short protein forms D46N.
Identifiers: ClinVar variation 241718 (VCV000241718.10), dbSNP rs370750401, ClinGen allele CA2600097.
Genomic context (GRCh38, chr3:128,486,896, plus strand): 5'-CGTGAGCGGGGTTGGCATAGTAGGGGTTGCCCTGCGAGTCGAGGTGATTGAAGAAGACGT[C>T]CACCTCGTCTGGAGGCAGCAGCTGCGCGGGTTCCATGTAGTTGTGCGCCAGGCCCGGGTG-3'
Protein context (NP_116027.2, residues 36-56): PAQLLPPDEV[Asp46Asn]VFFNHLDSQG